The following is an entry in ClinVar:

ClinVar aggregate classification (germline): Conflicting classifications of pathogenicity. Review status: criteria provided, conflicting classifications (1 of 4 stars). 3 submissions from 3 submitters: Uncertain significance (1); Benign (1). 1 of the submissions does not count toward it. Last evaluated 2024-10-21.

Conditions:
KRT85-related disorder. Also called: KRT85-related condition.

Allele frequency attached by ClinVar (database versions not stated): 1000 Genomes Project 0.00240; ESP Exome Variant Server 0.00123; gnomAD 0.00178; 1000 Genomes Project 30x 0.00375; gnomAD exomes 0.00015; ExAC 0.00054; TOPMed 0.00184.

Submissions (3):

Ambry Genetics
Classification: Uncertain significance. Last evaluated: 2024-10-21. Review status: criteria provided, single submitter. Criteria: Ambry Variant Classification Scheme 2023. Collection method: clinical testing. Allele origin: germline.

Labcorp Genetics (formerly Invitae), Labcorp
Classification: Benign. Last evaluated: 2023-08-04. Review status: criteria provided, single submitter. Criteria: Invitae Variant Classification Sherloc (09022015). Collection method: clinical testing. Allele origin: germline.

PreventionGenetics, part of Exact Sciences
Classification: Likely benign for KRT85-related condition. Last evaluated: 2019-10-01. Review status: no assertion criteria provided. Collection method: clinical testing. Allele origin: germline. Not counted in ClinVar's aggregate classification.
Comment: This variant is classified as likely benign based on ACMG/AMP sequence variant interpretation guidelines (Richards et al. 2015 PMID: 25741868, with internal and published modifications).

NM_002283.4(KRT85):c.212T>C (p.Phe71Ser)

Gene: KRT85 (keratin 85; minus strand). Cytogenetic location: 12q13.13.
Variant type: single nucleotide variant.
Coding change: c.212T>C on transcript NM_002283.4 (MANE Select); coding-DNA position 212, T replaced by C.
Protein change: p.Phe71Ser; replaces phenylalanine 71 with serine.
Molecular consequence: missense variant.
Genome position (GRCh38, 1-based): chr12:52,367,194, A>G on the plus strand (T>C on the coding strand, the complement: KRT85 is on the minus strand). VCF-style: chr12-52367194-A-G. GRCh37 (hg19) VCF-style: chr12-52760978-A-G.
Other names: c.212T>C (NM_002283.3); short protein forms F71S.
Identifiers: ClinVar variation 2044082 (VCV002044082.7), dbSNP rs139493548, ClinGen allele CA6578378.
Genomic context (GRCh38, chr12:52,367,194, plus strand): 5'-CTGGGTCCGCACACGCCCCCGGAGCGGTAGCCGAAGCTGCGTCCGCAGGAGCCGGCTCGG[A>G]AGCCACCTACAGCTATCCGGGGCCCGCAGGAGCCCAGGTTGCAGAGGCTGCGGCTGCCGA-3'
Protein context (NP_002274.1, residues 61-81): SCGPRIAVGG[Phe71Ser]RAGSCGRSFG